The following is an entry in ClinVar:

ClinVar aggregate classification (germline): Uncertain significance (1 of 4 stars; one submission).

Conditions:
PAX2-Related Disorder. Also called: PAX2-related disorders. Identifiers: MedGen CN381309.

gnomAD v4.1: 60 of 1,599,078 alleles (0.0038%); highest among the groups gnomAD compares: Non-Finnish European, 0.005%; no homozygotes.

Submission:

PreventionGenetics, part of Exact Sciences
Classification: Uncertain significance for PAX2-related condition. Last evaluated: 2026-02-09. Review status: criteria provided, single submitter. Criteria: ACMG Guidelines, 2015. Collection method: clinical testing. Allele origin: germline.
Comment: The PAX2 c.36G>T variant is predicted to result in the amino acid substitution p.Leu12Phe. To our knowledge, this variant has not been reported in the literature or in a large population database (gnomAD), indicating this variant is rare. This change is also known as a pre-coding variant c.-58G>T on the MANE transcript NM_000278. At this time, the clinical significance of this variant is uncertain due to the absence of conclusive functional and genetic evidence.

NM_000278.5(PAX2):c.-58G>T

Gene: PAX2 (paired box 2; plus strand). Cytogenetic location: 10q24.31.
Variant type: single nucleotide variant.
Coding change: c.-58G>T on transcript NM_000278.5 (MANE Select); 58 bases upstream of the start codon, G replaced by T.
Molecular consequence: 5 prime UTR variant. On other transcripts: missense variant (2).
Genome position (GRCh38, 1-based): chr10:100,746,203, G>T. VCF-style: chr10-100746203-G-T. GRCh37 (hg19) VCF-style: chr10-102505960-G-T.
Other names: c.36G>T, p.Leu12Phe (NM_001304569.2, NM_001374303.1); c.-58G>T (NM_003987.5, NM_003988.5, NM_003989.5 and 1 more transcripts); short protein forms L12F.
Identifiers: ClinVar variation 4979577 (VCV004979577.1).